The following is an entry in ClinVar:

ClinVar aggregate classification (germline): Likely benign. Review status: criteria provided, multiple submitters, no conflicts (2 of 4 stars). 7 submissions from 7 submitters: Likely benign (5). 2 of the submissions do not count toward it. Last evaluated 2026-05-01.

Conditions:
Usher syndrome type 1 (USH1). Also called: RETINITIS PIGMENTOSA AND CONGENITAL DEAFNESS. Identifiers: Orphanet 231169, Orphanet 886, MedGen C1568247, MONDO:0010168, OMIM 276900.
CDH23-related disorder. Also called: CDH23-related disorders; CDH23-related condition.

Allele frequency attached by ClinVar (database versions not stated): gnomAD 0.00028 and 0.00025; 1000 Genomes Project 30x 0.00016; ExAC 0.00016; gnomAD exomes 0.00007 and 0.00023; 1000 Genomes Project 0.00020; TOPMed 0.00036; ESP Exome Variant Server 0.00040.
gnomAD v4.1: 149 of 1,563,320 alleles (0.0095%); highest among the groups gnomAD compares: Admixed American, 0.094%; no homozygotes.

Submissions (7):

CeGaT Center for Human Genetics Tuebingen
Classification: Likely benign. Last evaluated: 2026-05-01. Review status: criteria provided, single submitter. Criteria: CeGaT Center For Human Genetics Tuebingen Variant Classification Criteria Version 2. Collection method: clinical testing. Allele origin: germline. Affected: yes. Observed: 2 variant alleles.
Comment: CDH23: BP4, BP7

Labcorp Genetics (formerly Invitae), Labcorp
Classification: Likely benign. Last evaluated: 2025-09-11. Review status: criteria provided, single submitter. Criteria: Invitae Variant Classification Sherloc (09022015). Collection method: clinical testing. Allele origin: germline.

Blueprint Genetics
Classification: Likely benign. Last evaluated: 2024-09-20. Review status: criteria provided, single submitter. Criteria: ACMG Guidelines, 2015. Collection method: clinical testing. Allele origin: germline.

GeneDx
Classification: Likely benign. Last evaluated: 2020-03-06. Review status: criteria provided, single submitter. Criteria: GeneDx Variant Classification Process June 2021. Collection method: clinical testing. Allele origin: germline. Affected: yes.

Breakthrough Genomics
Classification: Likely benign. Review status: criteria provided, single submitter. Criteria: ACMG Guidelines, 2015. Collection method: not provided. Allele origin: germline. Inheritance: Autosomal recessive inheritance. Affected: yes.

Natera, Inc.
Classification: Likely benign for Usher syndrome type 1. Last evaluated: 2020-02-10. Review status: no assertion criteria provided. Collection method: clinical testing. Allele origin: germline. Not counted in ClinVar's aggregate classification.

PreventionGenetics, part of Exact Sciences
Classification: Likely benign for CDH23-related condition. Last evaluated: 2019-07-22. Review status: no assertion criteria provided. Collection method: clinical testing. Allele origin: germline. Not counted in ClinVar's aggregate classification.
Comment: This variant is classified as likely benign based on ACMG/AMP sequence variant interpretation guidelines (Richards et al. 2015 PMID: 25741868, with internal and published modifications).

NM_022124.6(CDH23):c.4095C>T (p.Asp1365=)

Genes: C10orf105 (chromosome 10 open reading frame 105; minus strand), CDH23 (cadherin related 23; plus strand). Cytogenetic location: 10q22.1.
Variant type: single nucleotide variant.
Coding change: c.4095C>T on transcript NM_022124.6 (MANE Select); coding-DNA position 4095, C replaced by T.
Protein change: p.Asp1365=; no amino-acid change (aspartic acid 1365 retained).
Molecular consequence: synonymous variant. On other transcripts: intron variant (1).
Genome position (GRCh38, 1-based): chr10:71,732,366, C>T. VCF-style: chr10-71732366-C-T. GRCh37 (hg19) VCF-style: chr10-73492123-C-T.
Other names: c.4095C>T, p.Asp1365= (NM_001171930.2); c.-6+5362G>A (NM_001168390.2).
Identifiers: ClinVar variation 730126 (VCV000730126.39), dbSNP rs368582818, ClinGen allele CA5544904.